The following is an entry in ClinVar:

ClinVar aggregate classification (germline): Uncertain significance. Review status: criteria provided, multiple submitters, no conflicts (2 of 4 stars). 2 submissions from 2 submitters: Uncertain significance (2). Last evaluated 2025-01-10.

Conditions:
Charcot-Marie-Tooth disease type 4. Also called: Charcot-Marie-Tooth disease, type IV; Charcot-Marie-Tooth, Type 4. Identifiers: Orphanet 64749, MedGen C4082197, MONDO:0018995.

Submissions (2):

GeneDx
Classification: Uncertain significance. Last evaluated: 2025-01-10. Review status: criteria provided, single submitter. Criteria: GeneDx Variant Classification Process June 2021. Collection method: clinical testing. Allele origin: germline. Affected: yes.
Comment: Not observed at significant frequency in large population cohorts (gnomAD); In-frame duplication of 26 amino acids in a non-repeat region; Has not been previously published as pathogenic or benign to our knowledge

Labcorp Genetics (formerly Invitae), Labcorp
Classification: Uncertain significance for Charcot-Marie-Tooth disease type 4. Last evaluated: 2019-09-09. Review status: criteria provided, single submitter. Criteria: Invitae Variant Classification Sherloc (09022015). Collection method: clinical testing. Allele origin: germline.
Comment: Experimental studies and prediction algorithms are not available or were not evaluated for this variant, and the functional significance of this variant is currently unknown. In summary, the available evidence is currently insufficient to determine the role of this variant in disease. Therefore, it has been classified as a Variant of Uncertain Significance. Algorithms developed to predict the effect of sequence changes on RNA splicing suggest that this variant may create or strengthen a splice site, but this prediction has not been confirmed by published transcriptional studies. This variant has not been reported in the literature in individuals with PRX-related conditions. This variant is not present in population databases (ExAC no frequency). This variant, c.1483_1560dup, results in the insertion of 26 amino acid(s) to the PRX protein (p.Glu495_Val520dup), but otherwise preserves the integrity of the reading frame.

NM_181882.3(PRX):c.1483_1560dup (p.469ELPKVSEMKLPKVPEMAVPEVRLPEV[3])

Gene: PRX (periaxin; minus strand). Cytogenetic location: 19q13.2.
Variant type: Duplication.
Coding change: c.1483_1560dup on transcript NM_181882.3 (MANE Select); coding-DNA positions 1483 to 1560, 78 bases duplicated.
Protein change: p.469ELPKVSEMKLPKVPEMAVPEVRLPEV[3].
Molecular consequence: inframe insertion. On other transcripts: 3 prime UTR variant (1).
Genome position (GRCh38, 1-based): chr19:40,396,792-40,396,869, 78 bases duplicated. GRCh37 (hg19): chr19:40,902,765-40,902,842.
Other names: c.*1688_*1765dup (NM_020956.2).
Identifiers: ClinVar variation 964293 (VCV000964293.8), dbSNP rs1555801137, ClinGen allele CA1139666445.